The following is an entry in ClinVar:

ClinVar aggregate classification (germline): Pathogenic. Review status: criteria provided, multiple submitters, no conflicts (2 of 4 stars). 5 submissions from 5 submitters: Pathogenic (4). 1 of the submissions does not count toward it. Last evaluated 2024-11-21.

Conditions:
Osteogenesis imperfecta with normal sclerae, dominant form (OI4). Also called: Osteogenesis imperfecta type 4; OSTEOGENESIS IMPERFECTA WITH NORMAL SCLERAE; Common Variable Osteogenesis Imperfecta with Normal Sclerae; Osteogenesis Imperfecta Type IV; OSTEOGENESIS IMPERFECTA, TYPE IV, WITH DENTINOGENESIS IMPERFECTA. Identifiers: Orphanet 216820, Orphanet 666, MedGen C0268363, MONDO:0008148, OMIM 166220.
Osteogenesis imperfecta, perinatal lethal (OI2). Also called: Osteogenesis imperfecta type 2; Osteogenesis imperfecta, dominant perinatal lethal; OI, TYPE II; OSTEOGENESIS IMPERFECTA CONGENITA; OSTEOGENESIS IMPERFECTA, TYPE II; VROLIK TYPE OF OSTEOGENESIS IMPERFECTA. Identifiers: Orphanet 216804, MedGen C0268358, MONDO:0008147, OMIM 166210.
Ehlers-Danlos syndrome, classic type, 1 (EDSCL1). Also called: EDS I; Ehlers-Danlos Syndrome, Classic Type, COL5A1-Related; Ehlers-Danlos syndrome, type 1; EHLERS-DANLOS SYNDROME, GRAVIS TYPE; EHLERS-DANLOS SYNDROME, SEVERE CLASSIC TYPE. Identifiers: MedGen C0268335, MONDO:0019567, OMIM 130000.
Osteogenesis imperfecta type I (OI1). Also called: Osteogenesis imperfecta type 1; Lobstein's Disease; OI, TYPE I; OSTEOGENESIS IMPERFECTA TARDA; OSTEOGENESIS IMPERFECTA WITH BLUE SCLERAE; Lobstein disease. Identifiers: Orphanet 216796, Orphanet 666, MedGen C0023931, MONDO:0008146, OMIM 166200. Disease mechanism: loss of function.

Allele frequency attached by ClinVar (database versions not stated): gnomAD exomes 0.00001.
gnomAD v4.1: 10 of 1,614,126 alleles (0.00062%); highest among the groups gnomAD compares: Non-Finnish European, 0.00068%; no homozygotes.

Submissions (5):

Labcorp Genetics (formerly Invitae), Labcorp
Classification: Pathogenic for Osteogenesis imperfecta type I; Ehlers-Danlos syndrome, classic type, 1. Last evaluated: 2024-11-21. Review status: criteria provided, single submitter. Criteria: Invitae Variant Classification Sherloc (09022015). Collection method: clinical testing. Allele origin: germline.
Comment: This sequence change replaces glycine, which is neutral and non-polar, with serine, which is neutral and polar, at codon 292 of the COL1A2 protein (p.Gly292Ser). This variant is not present in population databases (gnomAD no frequency). This missense change has been observed in individuals with osteogenesis imperfecta (PMID: 26177859, 27519266). ClinVar contains an entry for this variant (Variation ID: 425663). Invitae Evidence Modeling of protein sequence and biophysical properties (such as structural, functional, and spatial information, amino acid conservation, physicochemical variation, residue mobility, and thermodynamic stability) indicates that this missense variant is expected to disrupt COL1A2 protein function with a positive predictive value of 95%. This variant disrupts the triple helix domain of COL1A2. Glycine residues within the Gly-Xaa-Yaa repeats of the triple helix domain are required for the structure and stability of fibrillar collagens (PMID: 7695699, 8218237, 19344236). In COL1A2, variants affecting these glycine residues are significantly enriched in individuals with disease (PMID: 9016532, 17078022) compared to the general population (ExAC). For these reasons, this variant has been classified as Pathogenic.

CeGaT Center for Human Genetics Tuebingen
Classification: Pathogenic. Last evaluated: 2023-07-01. Review status: criteria provided, single submitter. Criteria: CeGaT Center For Human Genetics Tuebingen Variant Classification Criteria Version 2. Collection method: clinical testing. Allele origin: germline. Affected: yes. Observed: 1 variant allele.
Comment: COL1A2: PM1:Strong, PM2, PS4:Moderate, PP2, PP3

GeneDx
Classification: Pathogenic. Last evaluated: 2022-05-09. Review status: criteria provided, single submitter. Criteria: GeneDx Variant Classification Process June 2021. Collection method: clinical testing. Allele origin: germline. Affected: yes.
Comment: Not observed in large population cohorts (gnomAD); In silico analysis supports that this missense variant has a deleterious effect on protein structure/function; Occurs in the triple helical domain and replaces the glycine in the canonical Gly-X-Y repeat; missense substitution of a canonical glycine residue is expected to disrupt normal protein folding and function, and this is an established mechanism of disease (HGMD); This variant is associated with the following publications: (PMID: 29946973, 29594386, 27510842, 30408610, 27519266, 32166892, 26177859, 35052464)

MGZ Medical Genetics Center
Classification: Pathogenic for Osteogenesis imperfecta, perinatal lethal. Last evaluated: 2021-11-25. Review status: criteria provided, single submitter. Criteria: ACMG Guidelines, 2015. Collection method: clinical testing. Allele origin: germline. Affected: yes. Observed: 1 variant allele.
Comment: ACMG criteria applied: PM5_STR, PM1, PM2_SUP, PP1, PP2, PP3

Department of Medical Sciences, Uppsala University
Classification: Pathogenic for OI type IV. Review status: no assertion criteria provided. Collection method: clinical testing. Allele origin: maternal. Affected: yes. Observed: 1 variant allele. Not counted in ClinVar's aggregate classification.

Literature cited by the submitters: PubMed 26177859 (cited by Labcorp Genetics (formerly Invitae), Labcorp); PubMed 27519266 (cited by Labcorp Genetics (formerly Invitae), Labcorp); PubMed 7695699 (cited by Labcorp Genetics (formerly Invitae), Labcorp); PubMed 8218237 (cited by Labcorp Genetics (formerly Invitae), Labcorp); PubMed 19344236 (cited by Labcorp Genetics (formerly Invitae), Labcorp); PubMed 9016532 (cited by Labcorp Genetics (formerly Invitae), Labcorp); PubMed 17078022 (cited by Labcorp Genetics (formerly Invitae), Labcorp); PubMed 25944380 (cited by Department of Medical Sciences, Uppsala University).

NM_000089.4(COL1A2):c.874G>A (p.Gly292Ser)

Gene: COL1A2 (collagen type I alpha 2 chain; plus strand). Cytogenetic location: 7q21.3.
Variant type: single nucleotide variant.
Coding change: c.874G>A on transcript NM_000089.4 (MANE Select); coding-DNA position 874, G replaced by A.
Protein change: p.Gly292Ser; replaces glycine 292 with serine.
Molecular consequence: missense variant.
Genome position (GRCh38, 1-based): chr7:94,409,403, G>A. VCF-style: chr7-94409403-G-A. GRCh37 (hg19) VCF-style: chr7-94038715-G-A.
Other names: c.874G>A (LRG_2t1); short protein forms G292S.
Identifiers: ClinVar variation 425663 (VCV000425663.37), dbSNP rs906553840, ClinGen allele CA162919734.